The following is an entry in ClinVar:

NM_004415.4(DSP):c.939+2_939+3insCC

Gene: DSP (desmoplakin; plus strand). Cytogenetic location: 6p24.3.
Variant type: Insertion.
Coding change: c.939+2_939+3insCC on transcript NM_004415.4 (MANE Select); the canonical splice donor site of the intron after coding-DNA position 939 through 3 bases into the intron after coding-DNA position 939, CC inserted.
Molecular consequence: intron variant.
Genome position: GRCh38 VCF-style: chr6-7565522-T-TCC. GRCh37 (hg19) VCF-style: chr6-7565755-T-TCC.
Other names: c.939+2_939+3insCC (NM_001319034.2, NM_001008844.3).
Identifiers: ClinVar variation 1471981 (VCV001471981.7), dbSNP rs2113669596, ClinGen allele CA2573140927.

ClinVar aggregate classification (germline): Uncertain significance. Review status: criteria provided, multiple submitters, no conflicts (2 of 4 stars). 2 submissions from 2 submitters: Uncertain significance (2). Last evaluated 2024-03-13.

Conditions:
Arrhythmogenic cardiomyopathy with wooly hair and keratoderma. Also called: Carvajal syndrome; Arrhythmogenic cardiomyopathy with woolly hair and keratoderma; Dilated cardiomyopathy with woolly hair and keratoderma; PALMOPLANTAR KERATODERMA WITH LEFT VENTRICULAR CARDIOMYOPATHY AND WOOLLY HAIR. Identifiers: Orphanet 65282, MedGen C1854063, MONDO:0011581, OMIM 605676.
Arrhythmogenic right ventricular dysplasia 8 (ARVD8). Also called: ARRHYTHMOGENIC RIGHT VENTRICULAR DYSPLASIA, FAMILIAL, 8; Arrhythmogenic Right Ventricular Dysplasia/Cardiomyopathy 8; ARRHYTHMOGENIC RIGHT VENTRICULAR CARDIOMYOPATHY 8. Identifiers: MedGen C1843896, MONDO:0011831, OMIM 607450.

Submissions (2):

GeneDx
Classification: Uncertain significance. Last evaluated: 2024-03-13. Review status: criteria provided, single submitter. Criteria: GeneDx Variant Classification Process June 2021. Collection method: clinical testing. Allele origin: germline. Affected: yes.
Comment: Has not been previously published as pathogenic or benign to our knowledge; Not observed at significant frequency in large population cohorts (gnomAD); Intronic +5 splice site variant in a gene for which loss of function is a known mechanism of disease, and both splice predictors and evolutionary conservation support a deleterious effect, although in the absence of functional evidence the actual effect of this sequence change is unknown.

Labcorp Genetics (formerly Invitae), Labcorp
Classification: Uncertain significance for Arrhythmogenic cardiomyopathy with wooly hair and keratoderma; Arrhythmogenic right ventricular dysplasia 8. Last evaluated: 2021-04-29. Review status: criteria provided, single submitter. Criteria: Invitae Variant Classification Sherloc (09022015). Collection method: clinical testing. Allele origin: germline.
Comment: In summary, the available evidence is currently insufficient to determine the role of this variant in disease. Therefore, it has been classified as a Variant of Uncertain Significance. Nucleotide substitutions within the consensus splice site are a relatively common cause of aberrant splicing (PMID: 17576681, 9536098). Algorithms developed to predict the effect of sequence changes on RNA splicing suggest that this variant may disrupt the consensus splice site, but this prediction has not been confirmed by published transcriptional studies. This variant has not been reported in the literature in individuals with DSP-related conditions. This variant is not present in population databases (ExAC no frequency). This sequence change falls in intron 7 of the DSP gene. It does not directly change the encoded amino acid sequence of the DSP protein. It affects a nucleotide within the consensus splice site of the intron.

Literature cited by the submitters: PubMed 17576681 (cited by Labcorp Genetics (formerly Invitae), Labcorp); PubMed 9536098 (cited by Labcorp Genetics (formerly Invitae), Labcorp).